The following is an entry in ClinVar:

NM_000883.4(IMPDH1):c.176C>T (p.Thr59Met)

Gene: IMPDH1 (inosine monophosphate dehydrogenase 1; minus strand). Cytogenetic location: 7q32.1.
Variant type: single nucleotide variant.
Coding change: c.176C>T on transcript NM_000883.4 (MANE Select); coding-DNA position 176, C replaced by T.
Protein change: p.Thr59Met; replaces threonine 59 with methionine.
Molecular consequence: missense variant. On other transcripts: intron variant (3).
Genome position (GRCh38, 1-based): chr7:128,409,455, G>A on the plus strand (C>T on the coding strand, the complement: IMPDH1 is on the minus strand). VCF-style: chr7-128409455-G-A. GRCh37 (hg19) VCF-style: chr7-128049509-G-A.
Other names: c.176C>T, p.Thr59Met (NM_001142576.2); c.146+301C>T (NM_001304521.2, NM_183243.3); c.147-89C>T (NM_001102605.2); short protein forms T59M.
Identifiers: ClinVar variation 1043940 (VCV001043940.10), dbSNP rs147250451, ClinGen allele CA4471258.

ClinVar aggregate classification (germline): Uncertain significance. Review status: criteria provided, multiple submitters, no conflicts (2 of 4 stars). 2 submissions from 2 submitters: Uncertain significance (2). Last evaluated 2026-01-05.

Allele frequency attached by ClinVar (database versions not stated): gnomAD exomes 0.00001; ExAC 0.00002; ESP Exome Variant Server 0.00008.
gnomAD v4.1: 4 of 1,614,200 alleles (0.00025%); highest among the groups gnomAD compares: African/African-American, 0.0027%; no homozygotes.

Submissions (2):

Labcorp Genetics (formerly Invitae), Labcorp
Classification: Uncertain significance. Last evaluated: 2026-01-05. Review status: criteria provided, single submitter. Criteria: Invitae Variant Classification Sherloc (09022015). Collection method: clinical testing. Allele origin: germline.
Comment: This sequence change replaces threonine, which is neutral and polar, with methionine, which is neutral and non-polar, at codon 59 of the IMPDH1 protein (p.Thr59Met). This variant is present in population databases (rs147250451, gnomAD 0.0009%). This missense change has been observed in individual(s) with clinical features of IMPDH1-related conditions (internal data). ClinVar contains an entry for this variant (Variation ID: 1043940). An algorithm developed to predict the effect of missense changes on protein structure and function (PolyPhen-2) suggests that this variant is likely to be tolerated. In summary, the available evidence is currently insufficient to determine the role of this variant in disease. Therefore, it has been classified as a Variant of Uncertain Significance.

GeneDx
Classification: Uncertain significance. Last evaluated: 2019-07-30. Review status: criteria provided, single submitter. Criteria: GeneDx Variant Classification Process June 2021. Collection method: clinical testing. Allele origin: germline. Affected: yes.
Comment: Not observed at a significant frequency in large population cohorts (Lek et al., 2016); In silico analysis, which includes protein predictors and evolutionary conservation, supports that this variant does not alter protein structure/function; Has not been previously published as pathogenic or benign to our knowledge